The following is an entry in ClinVar:

ClinVar aggregate classification (germline): Uncertain significance (1 of 4 stars; one submission).

Conditions:
Curry-Hall syndrome (WAD). Also called: WEYERS ACRODENTAL DYSOSTOSIS. Identifiers: Orphanet 952, MedGen C0457013, MONDO:0008673, OMIM 193530.
Ellis-van Creveld syndrome (EVC). Also called: EVC-Related Ellis-van Creveld Syndrome; EVC2-Related Ellis-van Creveld Syndrome; MESOECTODERMAL DYSPLASIA; Chondroectodermal dysplasia. Identifiers: Orphanet 289, MedGen C0013903, MONDO:0009162, OMIM 225500.

gnomAD v4.1: 9 of 1,614,022 alleles (0.00056%); highest among the groups gnomAD compares: Admixed American, 0.0017%; no homozygotes.

Submission:

Labcorp Genetics (formerly Invitae), Labcorp
Classification: Uncertain significance for Curry-Hall syndrome; Ellis-van Creveld syndrome. Last evaluated: 2024-06-03. Review status: criteria provided, single submitter. Criteria: Invitae Variant Classification Sherloc (09022015). Collection method: clinical testing. Allele origin: germline.
Comment: This sequence change replaces aspartic acid, which is acidic and polar, with glycine, which is neutral and non-polar, at codon 536 of the EVC protein (p.Asp536Gly). This variant is not present in population databases (gnomAD no frequency). This variant has not been reported in the literature in individuals affected with EVC-related conditions. Advanced modeling of protein sequence and biophysical properties (such as structural, functional, and spatial information, amino acid conservation, physicochemical variation, residue mobility, and thermodynamic stability) performed at Invitae indicates that this missense variant is expected to disrupt EVC protein function with a positive predictive value of 80%. In summary, the available evidence is currently insufficient to determine the role of this variant in disease. Therefore, it has been classified as a Variant of Uncertain Significance.

NM_153717.3(EVC):c.1607A>G (p.Asp536Gly)

Gene: EVC (EvC ciliary complex subunit 1; plus strand). Cytogenetic location: 4p16.2.
Variant type: single nucleotide variant.
Coding change: c.1607A>G on transcript NM_153717.3 (MANE Select); coding-DNA position 1607, A replaced by G.
Protein change: p.Asp536Gly; replaces aspartic acid 536 with glycine.
Molecular consequence: missense variant.
Genome position (GRCh38, 1-based): chr4:5,783,595, A>G. VCF-style: chr4-5783595-A-G. GRCh37 (hg19) VCF-style: chr4-5785322-A-G.
Other names: c.1607A>G, p.Asp536Gly (NM_001306090.2); short protein forms D536G.
Identifiers: ClinVar variation 3753164 (VCV003753164.2).